The following is an entry in ClinVar:

NM_001042492.3(NF1):c.3823T>G (p.Phe1275Val)

Gene: NF1 (neurofibromin 1; plus strand). Cytogenetic location: 17q11.2.
Variant type: single nucleotide variant.
Coding change: c.3823T>G on transcript NM_001042492.3 (MANE Select); coding-DNA position 3823, T replaced by G.
Protein change: p.Phe1275Val; replaces phenylalanine 1275 with valine.
Molecular consequence: missense variant.
Genome position (GRCh38, 1-based): chr17:31,235,725, T>G. VCF-style: chr17-31235725-T-G. GRCh37 (hg19) VCF-style: chr17-29562743-T-G.
Other names: c.3823T>G, p.Phe1275Val (NM_000267.4); short protein forms F1275V.
Identifiers: ClinVar variation 2131873 (VCV002131873.4), dbSNP rs1597722598, ClinGen allele CA398992741.

ClinVar aggregate classification (germline): Uncertain significance (1 of 4 stars; one submission).

Conditions:
Neurofibromatosis, type 1 (NF1). Also called: Peripheral type neurofibromatosis; NEUROFIBROMATOSIS, TYPE I, SOMATIC; Neurofibromatosis, type I; VON RECKLINGHAUSEN DISEASE. Identifiers: Orphanet 636, MedGen C0027831, MONDO:0018975, OMIM 162200. Disease mechanism: loss of function.

Submission:

Labcorp Genetics (formerly Invitae), Labcorp
Classification: Uncertain significance for Neurofibromatosis, type 1. Last evaluated: 2022-04-29. Review status: criteria provided, single submitter. Criteria: Invitae Variant Classification Sherloc (09022015). Collection method: clinical testing. Allele origin: germline.
Comment: Advanced modeling of protein sequence and biophysical properties (such as structural, functional, and spatial information, amino acid conservation, physicochemical variation, residue mobility, and thermodynamic stability) performed at Invitae indicates that this missense variant is expected to disrupt NF1 protein function. This variant has not been reported in the literature in individuals affected with NF1-related conditions. This variant is not present in population databases (gnomAD no frequency). This sequence change replaces phenylalanine, which is neutral and non-polar, with valine, which is neutral and non-polar, at codon 1275 of the NF1 protein (p.Phe1275Val). In summary, the available evidence is currently insufficient to determine the role of this variant in disease. Therefore, it has been classified as a Variant of Uncertain Significance.